The following is an entry in ClinVar:

ClinVar aggregate classification (germline): Uncertain significance (1 of 4 stars; one submission).

Conditions:
Pheochromocytoma. Also called: MAX-Related Hereditary Paraganglioma-Pheochromocytoma Syndrome. Identifiers: Orphanet 29072, MedGen C0031511, MONDO:0008233, OMIM 171300, HP:0002666.
Gastrointestinal stromal tumor. Also called: Gastrointestinal stromal tumor, somatic; Gastrointestinal stroma tumor. Identifiers: Orphanet 44890, MedGen C0238198, MeSH D046152, MONDO:0011719, OMIM 606764, HP:0100723.
Pheochromocytoma/paraganglioma syndrome 4. Also called: CAROTID BODY TUMORS AND MULTIPLE EXTRAADRENAL PHEOCHROMOCYTOMAS; PARAGANGLIOMA, FAMILIAL MALIGNANT; PARAGANGLIOMAS, HEREDITARY EXTRAADRENAL; PHEOCHROMOCYTOMA, FAMILIAL EXTRAADRENAL; Paragangliomas 4; SDHB-Related Hereditary Paraganglioma-Pheochromocytoma Syndrome (Paragangliomas 4). Identifiers: Orphanet 29072, MedGen C1861848, MONDO:0007273, OMIM 115310.

Submission:

Labcorp Genetics (formerly Invitae), Labcorp
Classification: Uncertain significance for Gastrointestinal stromal tumor; Pheochromocytoma/paraganglioma syndrome 4; Pheochromocytoma. Last evaluated: 2023-04-24. Review status: criteria provided, single submitter. Criteria: Invitae Variant Classification Sherloc (09022015). Collection method: clinical testing. Allele origin: germline.
Comment: In summary, the available evidence is currently insufficient to determine the role of this variant in disease. Therefore, it has been classified as a Variant of Uncertain Significance. Advanced modeling of protein sequence and biophysical properties (such as structural, functional, and spatial information, amino acid conservation, physicochemical variation, residue mobility, and thermodynamic stability) performed at Invitae indicates that this missense variant is not expected to disrupt SDHB protein function. This variant has not been reported in the literature in individuals affected with SDHB-related conditions. This variant is not present in population databases (gnomAD no frequency). This sequence change replaces lysine, which is basic and polar, with arginine, which is basic and polar, at codon 151 of the SDHB protein (p.Lys151Arg).

NM_003000.3(SDHB):c.452A>G (p.Lys151Arg)

Gene: SDHB (succinate dehydrogenase complex iron sulfur subunit B; minus strand). Cytogenetic location: 1p36.13.
Variant type: single nucleotide variant.
Coding change: c.452A>G on transcript NM_003000.3 (MANE Select); coding-DNA position 452, A replaced by G.
Protein change: p.Lys151Arg; replaces lysine 151 with arginine.
Molecular consequence: missense variant.
Genome position (GRCh38, 1-based): chr1:17,027,837, T>C on the plus strand (A>G on the coding strand, the complement: SDHB is on the minus strand). VCF-style: chr1-17027837-T-C. GRCh37 (hg19) VCF-style: chr1-17354332-T-C.
Other names: c.398A>G, p.Lys133Arg (NM_001407361.1); short protein forms K151R, K133R.
Identifiers: ClinVar variation 2947022 (VCV002947022.3), dbSNP rs2525017982, ClinGen allele CA338273152.